The following is an entry in ClinVar:

ClinVar aggregate classification (germline): Uncertain significance (1 of 4 stars; one submission).

Conditions:
Menkes kinky-hair syndrome (MNK). Also called: Copper transport disease; Menkes Disease; Classic Menkes Disease. Identifiers: Orphanet 565, MedGen C0022716, MONDO:0010651, OMIM 309400.
X-linked distal spinal muscular atrophy type 3. Also called: ATP7A-Related Distal Motor Neuropathy; SPINAL MUSCULAR ATROPHY, DISTAL, X-LINKED RECESSIVE; NEURONOPATHY, DISTAL HEREDITARY MOTOR, X-LINKED; NEUROPATHY, DISTAL HEREDITARY MOTOR, X-LINKED. Identifiers: Orphanet 139557, MedGen C1845359, MONDO:0010338, OMIM 300489.
Cutis laxa, X-linked (OHS). Also called: EDS IX; Occipital horn syndrome. Identifiers: Orphanet 198, MedGen C0268353, MONDO:0010572, OMIM 304150.

gnomAD v4.1: 1 of 1,211,490 alleles (0.000083%); highest among the groups gnomAD compares: South Asian, 0.0018%; no homozygotes.

Submission:

Labcorp Genetics (formerly Invitae), Labcorp
Classification: Uncertain significance for X-linked distal spinal muscular atrophy type 3; Cutis laxa, X-linked; Menkes kinky-hair syndrome. Last evaluated: 2024-12-15. Review status: criteria provided, single submitter. Criteria: Invitae Variant Classification Sherloc (09022015). Collection method: clinical testing. Allele origin: germline.
Comment: This sequence change replaces alanine, which is neutral and non-polar, with valine, which is neutral and non-polar, at codon 236 of the ATP7A protein (p.Ala236Val). This variant is not present in population databases (gnomAD no frequency). This variant has not been reported in the literature in individuals affected with ATP7A-related conditions. Invitae Evidence Modeling of protein sequence and biophysical properties (such as structural, functional, and spatial information, amino acid conservation, physicochemical variation, residue mobility, and thermodynamic stability) indicates that this missense variant is not expected to disrupt ATP7A protein function with a negative predictive value of 95%. In summary, the available evidence is currently insufficient to determine the role of this variant in disease. Therefore, it has been classified as a Variant of Uncertain Significance.

NM_000052.7(ATP7A):c.707C>T (p.Ala236Val)

Gene: ATP7A (ATPase copper transporting alpha; plus strand). Cytogenetic location: Xq21.1.
Variant type: single nucleotide variant.
Coding change: c.707C>T on transcript NM_000052.7 (MANE Select); coding-DNA position 707, C replaced by T.
Protein change: p.Ala236Val; replaces alanine 236 with valine.
Molecular consequence: missense variant.
Genome position (GRCh38, 1-based): chrX:77,989,329, C>T. VCF-style: chrX-77989329-C-T. GRCh37 (hg19) VCF-style: chrX-77244825-C-T.
Other names: c.707C>T, p.Ala236Val (NM_001282224.2); short protein forms A236V.
Identifiers: ClinVar variation 3758577 (VCV003758577.2).